The following is an entry in ClinVar:

NM_001370466.1(NOD2):c.*521C>T

Genes: CYLD-AS1 (CYLD antisense RNA 1; minus strand), NOD2 (nucleotide binding oligomerization domain containing 2; plus strand). Cytogenetic location: 16q12.1.
Variant type: single nucleotide variant.
Coding change: c.*521C>T on transcript NM_001370466.1 (MANE Select); 521 bases downstream of the stop codon, C replaced by T.
Molecular consequence: 3 prime UTR variant. On other transcripts: non-coding transcript variant (1).
Genome position (GRCh38, 1-based): chr16:50,732,340, C>T. VCF-style: chr16-50732340-C-T. GRCh37 (hg19) VCF-style: chr16-50766251-C-T.
Other names: c.*521C>T (LRG_177t1, NM_001293557.2, NM_022162.3).
Identifiers: ClinVar variation 319486 (VCV000319486.7), dbSNP rs5743297, ClinGen allele CA10648477.

ClinVar aggregate classification (germline): Benign. Review status: criteria provided, single submitter (1 of 4 stars). 2 submissions from 1 submitter: Benign (2). Last evaluated 2018-01-13.

Conditions:
Inflammatory bowel disease 1 (IBD1). Also called: Inflammatory bowel disease 1, Crohn disease; INFLAMMATORY BOWEL DISEASE (CROHN DISEASE) 1. Identifiers: MedGen CN260071, MONDO:0009960, OMIM 266600.
Blau syndrome (BLAUS). Also called: ARTHROCUTANEOUVEAL GRANULOMATOSIS; GRANULOMATOSIS, FAMILIAL JUVENILE SYSTEMIC; GRANULOMATOSIS, FAMILIAL, BLAU TYPE; GRANULOMATOUS INFLAMMATORY ARTHRITIS, DERMATITIS, AND UVEITIS, FAMILIAL; JABS SYNDROME. Identifiers: Orphanet 90340, MedGen C5201146, MONDO:0008523, OMIM 186580.

Allele frequency attached by ClinVar (database versions not stated): gnomAD exomes 0.00224; gnomAD 0.01121 and 0.01203; 1000 Genomes Project 0.01218; TOPMed 0.01284; 1000 Genomes Project 30x 0.01359.

Submissions (2):

Illumina Laboratory Services, Illumina
Classification: Benign for Inflammatory bowel disease 1. Last evaluated: 2018-01-13. Review status: criteria provided, single submitter. Criteria: ICSL Variant Classification Criteria 13 December 2019. Collection method: clinical testing. Allele origin: germline.
Comment: This variant was observed in the ICSL laboratory as part of a predisposition screen in an ostensibly healthy population. It had not been previously curated by ICSL or reported in the Human Gene Mutation Database (HGMD: prior to June 1st, 2018), and was therefore a candidate for classification through an automated scoring system. Utilizing variant allele frequency, disease prevalence and penetrance estimates, and inheritance mode, an automated score was calculated to assess if this variant is too frequent to cause the disease. Based on the score and internal cut-off values, a variant classified as benign is not then subjected to further curation. The score for this variant resulted in a classification of benign for this disease.

Illumina Laboratory Services, Illumina
Classification: Benign for Blau syndrome. Last evaluated: 2018-01-13. Review status: criteria provided, single submitter. Criteria: ICSL Variant Classification Criteria 13 December 2019. Collection method: clinical testing. Allele origin: germline.
Comment: the same text as in the submission from Illumina Laboratory Services, Illumina above.